The following is an entry in ClinVar:

ClinVar aggregate classification (germline): Uncertain significance. Review status: criteria provided, multiple submitters, no conflicts (2 of 4 stars). 2 submissions from 2 submitters: Uncertain significance (2). Last evaluated 2022-01-27.

Conditions:
Inborn genetic diseases. Identifiers: MedGen C0950123, MeSH D030342.
Intellectual developmental disorder, autosomal recessive 5. Also called: Intellectual disability, autosomal recessive 5. Identifiers: Orphanet 88616, MedGen C1970199, MONDO:0012613, OMIM 611091.

Allele frequency attached by ClinVar (database versions not stated): ExAC 0.00002; TOPMed 0.00001; gnomAD 0.00001; gnomAD exomes 0.00003.
gnomAD v4.1: 43 of 1,614,098 alleles (0.0027%); highest among the groups gnomAD compares: Non-Finnish European, 0.0036%; no homozygotes.

Submissions (2):

Baylor Genetics
Classification: Uncertain significance for Intellectual developmental disorder, autosomal recessive 5. Last evaluated: 2022-01-27. Review status: criteria provided, single submitter. Criteria: ACMG Guidelines, 2015. Collection method: clinical testing. Allele origin: unknown.

Ambry Genetics
Classification: Uncertain significance for Inborn genetic diseases. Last evaluated: 2018-02-07. Review status: criteria provided, single submitter. Criteria: Ambry Variant Classification Scheme 2023. Collection method: clinical testing. Allele origin: germline.
Comment: The p.N547D variant (also known as c.1639A>G), located in coding exon 15 of the NSUN2 gene, results from an A to G substitution at nucleotide position 1639. The asparagine at codon 547 is replaced by aspartic acid, an amino acid with highly similar properties. This amino acid position is highly conserved in available vertebrate species. In addition, this alteration is predicted to be tolerated by in silico analysis. Since supporting evidence is limited at this time, the clinical significance of this alteration remains unclear.

NM_017755.6(NSUN2):c.1639A>G (p.Asn547Asp)

Gene: NSUN2 (NOP2/Sun RNA methyltransferase 2; minus strand). Cytogenetic location: 5p15.31.
Variant type: single nucleotide variant.
Coding change: c.1639A>G on transcript NM_017755.6 (MANE Select); coding-DNA position 1639, A replaced by G.
Protein change: p.Asn547Asp; replaces asparagine 547 with aspartic acid.
Molecular consequence: missense variant. On other transcripts: non-coding transcript variant (1).
Genome position (GRCh38, 1-based): chr5:6,605,371, T>C on the plus strand (A>G on the coding strand, the complement: NSUN2 is on the minus strand). VCF-style: chr5-6605371-T-C. GRCh37 (hg19) VCF-style: chr5-6605484-T-C.
Other names: c.1534A>G, p.Asn512Asp (NM_001193455.2); short protein forms N512D, N547D.
Identifiers: ClinVar variation 1776982 (VCV001776982.3), dbSNP rs551486958, ClinGen allele CA3192369.